The following is an entry in ClinVar:

ClinVar aggregate classification (germline): Pathogenic/Likely pathogenic. Review status: criteria provided, multiple submitters, no conflicts (2 of 4 stars). 3 submissions from 3 submitters: Pathogenic (2); Likely pathogenic (1). Last evaluated 2023-10-25.

Conditions:
Hereditary nonpolyposis colorectal neoplasms. Identifiers: MedGen C0009405, MeSH D003123.
Hereditary cancer-predisposing syndrome. Also called: Neoplastic Syndromes, Hereditary; Hereditary neoplastic syndrome; Tumor predisposition; Hereditary Cancer Syndrome. Identifiers: Orphanet 140162, MedGen C0027672, MeSH D009386, MONDO:0015356.

Submissions (3):

Ambry Genetics
Classification: Pathogenic for Hereditary cancer-predisposing syndrome. Last evaluated: 2023-10-25. Review status: criteria provided, single submitter. Criteria: Ambry Variant Classification Scheme 2023. Collection method: clinical testing. Allele origin: germline.
Comment: The c.3792dupA pathogenic mutation, located in coding exon 8 of the MSH6 gene, results from a duplication of A at nucleotide position 3792, causing a translational frameshift with a predicted alternate stop codon (p.G1265Rfs*10). This variant is considered to be rare based on population cohorts in the Genome Aggregation Database (gnomAD). This alteration is expected to result in loss of function by premature protein truncation or nonsense-mediated mRNA decay. As such, this alteration is interpreted as a disease-causing mutation.

Labcorp Genetics (formerly Invitae), Labcorp
Classification: Pathogenic for Hereditary nonpolyposis colorectal neoplasms. Last evaluated: 2022-05-19. Review status: criteria provided, single submitter. Criteria: Invitae Variant Classification Sherloc (09022015). Collection method: clinical testing. Allele origin: germline.
Comment: This sequence change creates a premature translational stop signal (p.Gly1265Argfs*10) in the MSH6 gene. It is expected to result in an absent or disrupted protein product. Loss-of-function variants in MSH6 are known to be pathogenic (PMID: 18269114, 24362816). This variant is not present in population databases (gnomAD no frequency). This variant has not been reported in the literature in individuals affected with MSH6-related conditions. For these reasons, this variant has been classified as Pathogenic.

Revvity Omics, Revvity
Classification: Likely pathogenic. Last evaluated: 2022-05-04. Review status: criteria provided, single submitter. Criteria: ACMG Guidelines, 2015. Collection method: clinical testing. Allele origin: germline.

Literature cited by the submitters: PubMed 18269114 (cited by Labcorp Genetics (formerly Invitae), Labcorp); PubMed 24362816 (cited by Labcorp Genetics (formerly Invitae), Labcorp).

NM_000179.3(MSH6):c.3792dup (p.Gly1265fs)

Gene: MSH6 (mutS homolog 6; plus strand). Cytogenetic location: 2p16.3.
Variant type: Duplication.
Coding change: c.3792dup on transcript NM_000179.3 (MANE Select); coding-DNA position 3792, one base duplicated (A; older notation c.3792dupA).
Protein change: p.Gly1265fs; shifts the reading frame from glycine 1265.
Molecular consequence: frameshift variant.
Genome position (GRCh38, 1-based): chr2:47,806,349, A duplicated. VCF-style (leftmost placement, unchanged base first): chr2-47806348-T-TA. GRCh37 (hg19) VCF-style: chr2-48033487-T-TA.
Other names: c.3792dupA (NM_000179.2); c.3402dup, p.Gly1135fs (NM_001281492.2); c.2886dup, p.Gly963fs (NM_001281493.2, NM_001281494.2); c.3888dup, p.Gly1297Argfs (NM_001406795.1, NM_001406802.1); c.3792dup, p.Gly1265Argfs (NM_001406796.1, NM_001406800.1, NM_001406808.1 and 1 more transcripts); c.3495dup, p.Gly1166Argfs (NM_001406797.1, NM_001406801.1, NM_001406805.1 and 10 more transcripts); c.3618dup, p.Gly1207Argfs (NM_001406798.1); c.3267dup, p.Gly1090Argfs (NM_001406799.1, NM_001406806.1, NM_001406807.1); and 9 more; short protein forms G963fs, G1135fs, G1265fs.
Identifiers: ClinVar variation 1996563 (VCV001996563.8), dbSNP rs2530849360, ClinGen allele CA2580067341.